The following is an entry in ClinVar:

NM_003738.5(PTCH2):c.2290A>G (p.Ser764Gly)

Gene: PTCH2 (patched 2; minus strand). Cytogenetic location: 1p34.1.
Variant type: single nucleotide variant.
Coding change: c.2290A>G on transcript NM_003738.5 (MANE Select); coding-DNA position 2290, A replaced by G.
Protein change: p.Ser764Gly; replaces serine 764 with glycine.
Molecular consequence: missense variant.
Genome position (GRCh38, 1-based): chr1:44,827,483, T>C on the plus strand (A>G on the coding strand, the complement: PTCH2 is on the minus strand). VCF-style: chr1-44827483-T-C. GRCh37 (hg19) VCF-style: chr1-45293155-T-C.
Other names: c.2290A>G, p.Ser764Gly (NM_001166292.2); short protein forms S764G.
Identifiers: ClinVar variation 1353365 (VCV001353365.8), dbSNP rs769359308, ClinGen allele CA823060.

ClinVar aggregate classification (germline): Uncertain significance (1 of 4 stars; one submission).

Conditions:
Gorlin syndrome. Also called: Basal cell nevus syndrome; Nevoid Basal Cell Carcinoma Syndrome. Identifiers: Orphanet 377, MedGen C0004779, MONDO:0007187.

gnomAD v4.1: 5 of 1,613,990 alleles (0.00031%); highest among the groups gnomAD compares: East Asian, 0.011%; no homozygotes.

Submission:

Labcorp Genetics (formerly Invitae), Labcorp
Classification: Uncertain significance for Gorlin syndrome. Last evaluated: 2025-06-08. Review status: criteria provided, single submitter. Criteria: Invitae Variant Classification Sherloc (09022015). Collection method: clinical testing. Allele origin: germline.
Comment: This sequence change replaces serine, which is neutral and polar, with glycine, which is neutral and non-polar, at codon 764 of the PTCH2 protein (p.Ser764Gly). This variant is present in population databases (rs769359308, gnomAD 0.03%). This variant has not been reported in the literature in individuals affected with PTCH2-related conditions. ClinVar contains an entry for this variant (Variation ID: 1353365). Invitae Evidence Modeling of protein sequence and biophysical properties (such as structural, functional, and spatial information, amino acid conservation, physicochemical variation, residue mobility, and thermodynamic stability) indicates that this missense variant is not expected to disrupt PTCH2 protein function with a negative predictive value of 80%. In summary, the available evidence is currently insufficient to determine the role of this variant in disease. Therefore, it has been classified as a Variant of Uncertain Significance.